The following is an entry in ClinVar:

ClinVar aggregate classification (germline): Uncertain significance (1 of 4 stars; one submission).

Conditions:
Brachyolmia-amelogenesis imperfecta syndrome. Also called: Tooth agenesis, selective, 6; Dental anomalies and short stature; PLATYSPONDYLY WITH AMELOGENESIS IMPERFECTA. Identifiers: Orphanet 2899, MedGen C1832594, MONDO:0011018, OMIM 601216. Disease mechanism: loss of function.

Allele frequency attached by ClinVar (database versions not stated): gnomAD 0.00001; gnomAD exomes 0.00001 and 0.00002; TOPMed 0.00001.

Submission:

Labcorp Genetics (formerly Invitae), Labcorp
Classification: Uncertain significance for Brachyolmia-amelogenesis imperfecta syndrome. Last evaluated: 2020-11-05. Review status: criteria provided, single submitter. Criteria: Invitae Variant Classification Sherloc (09022015). Collection method: clinical testing. Allele origin: germline.
Comment: This variant is not present in population databases (ExAC no frequency). This variant has not been reported in the literature in individuals with LTBP3-related conditions. Algorithms developed to predict the effect of missense changes on protein structure and function (SIFT, PolyPhen-2, Align-GVGD) all suggest that this variant is likely to be tolerated, but these predictions have not been confirmed by published functional studies and their clinical significance is uncertain. In summary, the available evidence is currently insufficient to determine the role of this variant in disease. Therefore, it has been classified as a Variant of Uncertain Significance. This sequence change replaces asparagine with aspartic acid at codon 845 of the LTBP3 protein (p.Asn845Asp). The asparagine residue is moderately conserved and there is a small physicochemical difference between asparagine and aspartic acid.

NM_001130144.3(LTBP3):c.2533A>G (p.Asn845Asp)

Gene: LTBP3 (latent transforming growth factor beta binding protein 3; minus strand). Cytogenetic location: 11q13.1.
Variant type: single nucleotide variant.
Coding change: c.2533A>G on transcript NM_001130144.3 (MANE Select); coding-DNA position 2533, A replaced by G.
Protein change: p.Asn845Asp; replaces asparagine 845 with aspartic acid.
Molecular consequence: missense variant.
Genome position (GRCh38, 1-based): chr11:65,543,168, T>C on the plus strand (A>G on the coding strand, the complement: LTBP3 is on the minus strand). VCF-style: chr11-65543168-T-C. GRCh37 (hg19) VCF-style: chr11-65310639-T-C.
Other names: c.2182A>G, p.Asn728Asp (NM_001164266.1); c.2533A>G, p.Asn845Asp (NM_021070.4); short protein forms N728D, N845D.
Identifiers: ClinVar variation 1471758 (VCV001471758.8), dbSNP rs1181954332, ClinGen allele CA381269047.
Genomic context (GRCh38, chr11:65,543,168, plus strand): 5'-GGCATTTCCTGCCACCCACCAGCCGATGCCCCTGGGGGCAAAGACATCTGTAGGAGCCAT[T>C]GGTATTGATGCAGTCACCCCCAATGCAGGCTGCAGGGAAGTCACACTCATCAATGTCTGT-3'
Protein context (NP_001123616.1, residues 835-855): ACIGGDCINT[Asn845Asp]GSYRCLCPQG